The following is an entry in ClinVar:

NM_133433.4(NIPBL):c.8384T>C (p.Leu2795Pro)

Gene: NIPBL (NIPBL cohesin loading factor; plus strand). Cytogenetic location: 5p13.2.
Variant type: single nucleotide variant.
Coding change: c.8384T>C on transcript NM_133433.4 (MANE Select); coding-DNA position 8384, T replaced by C.
Protein change: p.Leu2795Pro; replaces leucine 2795 with proline.
Molecular consequence: missense variant. On other transcripts: 3 prime UTR variant (1).
Genome position (GRCh38, 1-based): chr5:37,064,861, T>C. VCF-style: chr5-37064861-T-C. GRCh37 (hg19) VCF-style: chr5-37064963-T-C.
Other names: c.*838T>C (NM_015384.5); short protein forms L2795P.
Identifiers: ClinVar variation 1299520 (VCV001299520.1), dbSNP rs2149761303, ClinGen allele CA359523759.

ClinVar aggregate classification (germline): Likely pathogenic (1 of 4 stars; one submission).

Conditions:
Cornelia de Lange syndrome 1 (CDLS1). Also called: NIPBL-Related Cornelia de Lange Syndrome; Brachmann de Lange syndrome; TYPUS DEGENERATIVUS AMSTELODAMENSIS. Identifiers: Orphanet 199, MedGen C4551851, MONDO:0007387, OMIM 122470.

Submission:

Laboratory of Medical Genetics, National & Kapodistrian University of Athens
Classification: Likely pathogenic for Cornelia de Lange syndrome 1. Last evaluated: 2021-10-01. Review status: criteria provided, single submitter. Criteria: ACMG Guidelines, 2015. Collection method: clinical testing. Allele origin: unknown. Affected: yes.
Comment: PM2, PP2, PP3

Literature cited by the submitters: PubMed 34008892.